The following is an entry in ClinVar:

NM_001561.6(TNFRSF9):c.227A>G (p.Lys76Arg)

Gene: TNFRSF9 (TNF receptor superfamily member 9; minus strand). Cytogenetic location: 1p36.23.
Variant type: single nucleotide variant.
Coding change: c.227A>G on transcript NM_001561.6 (MANE Select); coding-DNA position 227, A replaced by G.
Protein change: p.Lys76Arg; replaces lysine 76 with arginine.
Molecular consequence: missense variant.
Genome position (GRCh38, 1-based): chr1:7,938,312, T>C on the plus strand (A>G on the coding strand, the complement: TNFRSF9 is on the minus strand). VCF-style: chr1-7938312-T-C. GRCh37 (hg19) VCF-style: chr1-7998372-T-C.
Other names: short protein forms K76R.
Identifiers: ClinVar variation 4702145 (VCV004702145.1).

ClinVar aggregate classification (germline): Uncertain significance (1 of 4 stars; one submission).

gnomAD v4.1: 2 of 1,605,888 alleles (0.00012%); highest among the groups gnomAD compares: Middle Eastern, 0.017%; no homozygotes.

Submission:

Labcorp Genetics (formerly Invitae), Labcorp
Classification: Uncertain significance. Last evaluated: 2025-09-11. Review status: criteria provided, single submitter. Criteria: Invitae Variant Classification Sherloc (09022015). Collection method: clinical testing. Allele origin: germline.
Comment: This sequence change replaces lysine, which is basic and polar, with arginine, which is basic and polar, at codon 76 of the TNFRSF9 protein (p.Lys76Arg). The frequency data for this variant in the population databases is considered unreliable, as metrics indicate poor data quality at this position in the gnomAD database. This variant has not been reported in the literature in individuals affected with TNFRSF9-related conditions. An algorithm developed to predict the effect of missense changes on protein structure and function outputs the following: PolyPhen-2: "Benign". The arginine amino acid residue is found in multiple mammalian species, which suggests that this missense change does not adversely affect protein function. In summary, the available evidence is currently insufficient to determine the role of this variant in disease. Therefore, it has been classified as a Variant of Uncertain Significance.